The following is an entry in ClinVar:

NM_001194998.2(CEP152):c.5112C>T (p.Ser1704=)

Gene: CEP152 (centrosomal protein 152; minus strand). Cytogenetic location: 15q21.1.
Variant type: single nucleotide variant.
Coding change: c.5112C>T on transcript NM_001194998.2 (MANE Select); coding-DNA position 5112, C replaced by T.
Protein change: p.Ser1704=; no amino-acid change (serine 1704 retained).
Molecular consequence: synonymous variant.
Genome position (GRCh38, 1-based): chr15:48,738,270, G>A on the plus strand (C>T on the coding strand, the complement: CEP152 is on the minus strand). VCF-style: chr15-48738270-G-A. GRCh37 (hg19) VCF-style: chr15-49030467-G-A.
Other names: c.4944C>T, p.Ser1648= (NM_014985.4); c.5112C>T (NM_001194998.1).
Identifiers: ClinVar variation 2822062 (VCV002822062.5), dbSNP rs2505888241, ClinGen allele CA490308617.
Genomic context (GRCh38, chr15:48,738,270, plus strand): 5'-TTAATATATTAATGATTCTTCTTAAATACTGTACCATAATTAGTCTAGATTAACAAATGG[G>A]CTATCAAAGCCACTATCTTGTTGGCTAGATAGCGGAACAATTAATTTTCTTGAAGGCTGC-3'
Protein context (NP_001181927.1, residues 1694-1710): LSSQQDSGFD[Ser1704=]PFVNLD

ClinVar aggregate classification (germline): Likely benign. Review status: criteria provided, single submitter (1 of 4 stars). 2 submissions from 2 submitters: Likely benign (1). 1 of the submissions does not count toward it. Last evaluated 2023-04-23.

Conditions:
CEP152-related disorder. Also called: CEP152-related condition; CEP152-related disorders. Identifiers: MedGen CN239248.

Submissions (2):

Labcorp Genetics (formerly Invitae), Labcorp
Classification: Likely benign. Last evaluated: 2023-04-23. Review status: criteria provided, single submitter. Criteria: Invitae Variant Classification Sherloc (09022015). Collection method: clinical testing. Allele origin: germline.

PreventionGenetics, part of Exact Sciences
Classification: Likely benign for CEP152-related condition. Last evaluated: 2022-07-29. Review status: no assertion criteria provided. Collection method: clinical testing. Allele origin: germline. Not counted in ClinVar's aggregate classification.
Comment: This variant is classified as likely benign based on ACMG/AMP sequence variant interpretation guidelines (Richards et al. 2015 PMID: 25741868, with internal and published modifications).